The following is an entry in ClinVar:

NM_032436.4(CHAMP1):c.854A>T (p.Glu285Val)

Gene: CHAMP1 (chromosome alignment maintaining phosphoprotein 1; plus strand). Cytogenetic location: 13q34.
Variant type: single nucleotide variant.
Coding change: c.854A>T on transcript NM_032436.4 (MANE Select); coding-DNA position 854, A replaced by T.
Protein change: p.Glu285Val; replaces glutamic acid 285 with valine.
Molecular consequence: missense variant.
Genome position (GRCh38, 1-based): chr13:114,324,696, A>T. VCF-style: chr13-114324696-A-T. GRCh37 (hg19) VCF-style: chr13-115090171-A-T.
Other names: c.854A>T, p.Glu285Val (NM_001164144.3, NM_001164145.3); c.854A>T (NM_001164145.2); short protein forms E285V.
Identifiers: ClinVar variation 651846 (VCV000651846.9), dbSNP rs1594129964, ClinGen allele CA388847268.

ClinVar aggregate classification (germline): Uncertain significance. Review status: criteria provided, multiple submitters, no conflicts (2 of 4 stars). 2 submissions from 2 submitters: Uncertain significance (2). Last evaluated 2026-02-21.

Conditions:
CHAMP1-related disorder. Also called: CHAMP1-related condition.

Submissions (2):

PreventionGenetics, part of Exact Sciences
Classification: Uncertain significance for CHAMP1-related condition. Last evaluated: 2026-02-21. Review status: criteria provided, single submitter. Criteria: ACMG Guidelines, 2015. Collection method: clinical testing. Allele origin: germline.
Comment: The CHAMP1 c.854A>T variant is predicted to result in the amino acid substitution p.Glu285Val. To our knowledge, this variant has not been reported in the literature or in a large population database (gnomAD), indicating this variant is rare. At this time, the clinical significance of this variant is uncertain due to the absence of conclusive functional and genetic evidence.

Labcorp Genetics (formerly Invitae), Labcorp
Classification: Uncertain significance. Last evaluated: 2018-09-06. Review status: criteria provided, single submitter. Criteria: Invitae Variant Classification Sherloc (09022015). Collection method: clinical testing. Allele origin: germline.
Comment: This sequence change replaces glutamic acid with valine at codon 285 of the CHAMP1 protein (p.Glu285Val). The glutamic acid residue is moderately conserved and there is a moderate physicochemical difference between glutamic acid and valine. This variant is not present in population databases (ExAC no frequency). This variant has not been reported in the literature in individuals with CHAMP1-related disease. Algorithms developed to predict the effect of missense changes on protein structure and function output the following: SIFT: "Tolerated"; PolyPhen-2: "Benign"; Align-GVGD: "Class C0". The valine amino acid residue is found in multiple mammalian species, suggesting that this missense change does not adversely affect protein function. These predictions have not been confirmed by published functional studies and their clinical significance is uncertain. In summary, the available evidence is currently insufficient to determine the role of this variant in disease. Therefore, it has been classified as a Variant of Uncertain Significance.